The following is an entry in ClinVar:

NM_007050.6(PTPRT):c.694G>A (p.Gly232Ser)

Gene: PTPRT (protein tyrosine phosphatase receptor type T; minus strand). Cytogenetic location: 20q12.
Variant type: single nucleotide variant.
Coding change: c.694G>A on transcript NM_007050.6 (MANE Select); coding-DNA position 694, G replaced by A.
Protein change: p.Gly232Ser; replaces glycine 232 with serine.
Molecular consequence: missense variant.
Genome position (GRCh38, 1-based): chr20:42,756,627, C>T on the plus strand (G>A on the coding strand, the complement: PTPRT is on the minus strand). VCF-style: chr20-42756627-C-T. GRCh37 (hg19) VCF-style: chr20-41385267-C-T.
Other names: c.694G>A, p.Gly232Ser (NM_001394024.1, NM_001394025.1, NM_001394026.1 and 1 more transcripts); short protein forms G232S.
Identifiers: ClinVar variation 2633201 (VCV002633201.1), dbSNP rs2516568046, ClinGen allele CA409360252.

ClinVar aggregate classification (germline): Uncertain significance (1 of 4 stars; one submission).

Conditions:
PTPRT-related disorder. Also called: PTPRT-related condition.

Submission:

PreventionGenetics, part of Exact Sciences
Classification: Uncertain significance for PTPRT-related condition. Last evaluated: 2023-08-22. Review status: criteria provided, single submitter. Criteria: ACMG Guidelines, 2015. Collection method: clinical testing. Allele origin: germline.
Comment: The PTPRT c.694G>A variant is predicted to result in the amino acid substitution p.Gly232Ser. To our knowledge, this variant has not been reported in the literature or in a large population database, indicating this variant is rare. At this time, the clinical significance of this variant is uncertain due to the absence of conclusive functional and genetic evidence.